The following is an entry in ClinVar:

ClinVar aggregate classification (germline): Conflicting classifications of pathogenicity. Review status: criteria provided, conflicting classifications (1 of 4 stars). 6 submissions from 6 submitters: Uncertain significance (3); Likely benign (2). 1 of the submissions does not count toward it. Last evaluated 2026-09-21.

Conditions:
Cardiovascular phenotype. Identifiers: MedGen CN230736.
Myofibrillar myopathy 5. Also called: Filaminopathy (type); FILAMINOPATHY, AUTOSOMAL DOMINANT. Identifiers: Orphanet 171445, MedGen C1836050, MONDO:0012289, OMIM 609524.
Hypertrophic cardiomyopathy 26. Also called: Cardiomyopathy, familial hypertrophic, 26. Identifiers: Orphanet 75249, MedGen C4310749, MONDO:0014883, OMIM 617047.
Distal myopathy with posterior leg and anterior hand involvement. Also called: WILLIAMS DISTAL MYOPATHY. Identifiers: Orphanet 63273, MedGen C3279722, MONDO:0013550, OMIM 614065.
Cardiomyopathy (CMYO). Also called: Cardiomyopathies. Identifiers: Orphanet 167848, MedGen C0878544, MONDO:0004994, HP:0001638. Inheritance: Various modes of inheritance.
FLNC-related disorder. Also called: FLNC-related condition; FLNC-related disorders.

Allele frequency attached by ClinVar (database versions not stated): TOPMed 0.00002; gnomAD exomes 0.00001.
gnomAD v4.1: 7 of 1,613,982 alleles (0.00043%); highest among the groups gnomAD compares: East Asian, 0.0022%; no homozygotes.

Submissions (6):

Molecular Diagnostic Laboratory for Inherited Cardiovascular Disease, Montreal Heart Institute
Classification: Uncertain significance for Cardiovascular phenotype. Last evaluated: 2026-09-21. Review status: criteria provided, single submitter. Criteria: ACMG Guidelines, 2015. Collection method: clinical testing. Allele origin: germline. Affected: yes.
Comment: PM2

Ambry Genetics
Classification: Uncertain significance for Cardiovascular phenotype. Last evaluated: 2026-03-27. Review status: criteria provided, single submitter. Criteria: Ambry Variant Classification Scheme 2023. Collection method: clinical testing. Allele origin: germline.
Comment: The c.3381C>T variant (also known as p.G1127G), located in coding exon 21 of the FLNC gene, results from a C to T substitution at nucleotide position 3381. This nucleotide substitution does not change the amino acid at codon 1127. This nucleotide position is not well conserved in available vertebrate species. In silico splice site analysis predicts that this alteration will result in the creation or strengthening of a novel splice donor site. Based on the available evidence, the clinical significance of this variant remains unclear.

Labcorp Genetics (formerly Invitae), Labcorp
Classification: Likely benign for Distal myopathy with posterior leg and anterior hand involvement; Myofibrillar myopathy 5; Hypertrophic cardiomyopathy 26. Last evaluated: 2024-11-21. Review status: criteria provided, single submitter. Criteria: Invitae Variant Classification Sherloc (09022015). Collection method: clinical testing. Allele origin: germline.

Blueprint Genetics
Classification: Likely benign. Last evaluated: 2024-11-07. Review status: criteria provided, single submitter. Criteria: ACMG Guidelines, 2015. Collection method: clinical testing. Allele origin: germline.

CHEO Genetics Diagnostic Laboratory, Children's Hospital of Eastern Ontario
Classification: Uncertain significance for Cardiomyopathy. Last evaluated: 2023-01-09. Review status: criteria provided, single submitter. Criteria: ACMG Guidelines, 2015. Collection method: clinical testing. Allele origin: germline.

PreventionGenetics, part of Exact Sciences
Classification: Uncertain significance for FLNC-related condition. Last evaluated: 2024-09-13. Review status: no assertion criteria provided. Collection method: clinical testing. Allele origin: germline. Not counted in ClinVar's aggregate classification.
Comment: The FLNC c.3381C>T variant is not predicted to result in an amino acid change (p.=). This variant is predicted to alter splicing based on available splicing prediction programs (SpliceAI, Jaganathan et al. 2019. PubMed ID: 30661751). However, the use of computer prediction programs is not equivalent to functional evidence. To our knowledge, this variant has not been reported in the literature. This variant is reported in 0.0056% of alleles in individuals of East Asian descent in gnomAD. At this time, the clinical significance of this variant is uncertain due to the absence of conclusive functional and genetic evidence.

NM_001458.5(FLNC):c.3381C>T (p.Gly1127=)

Gene: FLNC (filamin C; plus strand). Cytogenetic location: 7q32.1.
Variant type: single nucleotide variant.
Coding change: c.3381C>T on transcript NM_001458.5 (MANE Select); coding-DNA position 3381, C replaced by T.
Protein change: p.Gly1127=; no amino-acid change (glycine 1127 retained).
Molecular consequence: synonymous variant.
Genome position (GRCh38, 1-based): chr7:128,844,846, C>T. VCF-style: chr7-128844846-C-T. GRCh37 (hg19) VCF-style: chr7-128484900-C-T.
Other names: c.3381C>T, p.Gly1127= (NM_001127487.2).
Identifiers: ClinVar variation 842328 (VCV000842328.13), dbSNP rs1052000080, ClinGen allele CA457848232.
Genomic context (GRCh38, chr7:128,844,846, plus strand): 5'-CGAGTGCCAGGACAATGGTGATGGCTCATGTGCTGTCAGCTACCTGCCCACGGAGCCTGG[C>T]GAGTACACCATCAACATCCTGTTTGCTGAGGCCCACATCCCTGGCTCGCCCTTCAAAGCC-3'
Protein context (NP_001449.3, residues 1117-1137): CAVSYLPTEP[Gly1127=]EYTINILFAE